The following is an entry in ClinVar:

ClinVar aggregate classification (germline): Uncertain significance (1 of 4 stars; one submission).

Conditions:
Hereditary cancer-predisposing syndrome. Also called: Neoplastic Syndromes, Hereditary; Tumor predisposition; Hereditary Cancer Syndrome; Hereditary neoplastic syndrome. Identifiers: Orphanet 140162, MedGen C0027672, MeSH D009386, MONDO:0015356.

gnomAD v4.1: 1 of 1,613,996 alleles (0.000062%); no homozygotes.

Submission:

Ambry Genetics
Classification: Uncertain significance for Hereditary cancer-predisposing syndrome. Last evaluated: 2026-03-02. Review status: criteria provided, single submitter. Criteria: Ambry Variant Classification Scheme 2023. Collection method: clinical testing. Allele origin: germline.
Comment: The p.A426V variant (also known as c.1277C>T), located in coding exon 9 of the APC gene, results from a C to T substitution at nucleotide position 1277. The alanine at codon 426 is replaced by valine, an amino acid with similar properties. This amino acid position is well conserved in available vertebrate species. In addition, in silico predictors for this gene do not accurately predict pathogenicity. Missense variants in APC are not a common cause of disease (Spier I et al. Genet Med. 2024 Feb;26(2):100992). Based on the available evidence, the clinical significance of this variant remains unclear.

NM_000038.6(APC):c.1277C>T (p.Ala426Val)

Gene: APC (APC regulator of Wnt signaling pathway; plus strand). Cytogenetic location: 5q22.2.
Variant type: single nucleotide variant.
Coding change: c.1277C>T on transcript NM_000038.6 (MANE Select); coding-DNA position 1277, C replaced by T.
Protein change: p.Ala426Val; replaces alanine 426 with valine.
Molecular consequence: missense variant. On other transcripts: non-coding transcript variant (2).
Genome position (GRCh38, 1-based): chr5:112,819,309, C>T. VCF-style: chr5-112819309-C-T. GRCh37 (hg19) VCF-style: chr5-112155006-C-T.
Other names: c.1277C>T, p.Ala426Val (NM_001354895.2, NM_001354896.2, NM_001127510.3 and 4 more transcripts); c.1307C>T, p.Ala436Val (NM_001354897.2, NM_001407446.1); c.1202C>T, p.Ala401Val (NM_001354898.2, NM_001407451.1); c.1193C>T, p.Ala398Val (NM_001354899.2, NM_001407452.1); c.1100C>T, p.Ala367Val (NM_001354900.2, NM_001354901.2, NM_001407453.1); c.1004C>T, p.Ala335Val (NM_001354902.2); c.974C>T, p.Ala325Val (NM_001354903.2, NM_001407454.1, NM_001407455.1 and 5 more transcripts); c.899C>T, p.Ala300Val (NM_001354904.2); and 5 more; short protein forms A266V, A325V, A367V, A297V, A401V, A408V, A300V, A335V.
Identifiers: ClinVar variation 4827289 (VCV004827289.1).